The following is an entry in ClinVar:

NM_001369.3(DNAH5):c.10452_10464del (p.His3484fs)

Gene: DNAH5 (dynein axonemal heavy chain 5; minus strand). Cytogenetic location: 5p15.2.
Variant type: Deletion.
Coding change: c.10452_10464del on transcript NM_001369.3 (MANE Select); coding-DNA positions 10452 to 10464, 13 bases deleted (CAAGATGCAGACA).
Protein change: p.His3484fs; shifts the reading frame from histidine 3484.
Molecular consequence: frameshift variant.
Genome position (GRCh38, 1-based): chr5:13,754,294-13,754,306, TGTCTGCATCTTG deleted on the plus strand (CAAGATGCAGACA on the coding strand, the reverse complement: DNAH5 is on the minus strand); deleting any 13 consecutive bases within chr5:13,754,294-13,754,316 gives the same sequence; the c. name uses the placement nearest the transcript's 3' end. VCF-style (leftmost placement, unchanged base first): chr5-13754293-CTGTCTGCATCTTG-C. GRCh37 (hg19) VCF-style: chr5-13754402-CTGTCTGCATCTTG-C.
Other names: c.10452_10464delCAAGATGCAGACA (NM_001369.2); short protein forms H3484fs.
Identifiers: ClinVar variation 652415 (VCV000652415.7), dbSNP rs1580072662, ClinGen allele CA915943320.

ClinVar aggregate classification (germline): Pathogenic (1 of 4 stars; one submission).

Conditions:
Primary ciliary dyskinesia. Also called: Ciliary dyskinesia. Identifiers: Orphanet 244, MedGen C0008780, MONDO:0016575, HP:0012265.

Submission:

Labcorp Genetics (formerly Invitae), Labcorp
Classification: Pathogenic for Primary ciliary dyskinesia. Last evaluated: 2018-07-24. Review status: criteria provided, single submitter. Criteria: Invitae Variant Classification Sherloc (09022015). Collection method: clinical testing. Allele origin: germline.
Comment: This sequence change creates a premature translational stop signal (p.His3484Glnfs*31) in the DNAH5 gene. It is expected to result in an absent or disrupted protein product. This variant is not present in population databases (ExAC no frequency). This variant has not been reported in the literature in individuals with DNAH5-related disease. Loss-of-function variants in DNAH5 are known to be pathogenic (PMID: 11788826, 16627867). For these reasons, this variant has been classified as Pathogenic.

Literature cited by the submitters: PubMed 11788826; PubMed 16627867.